The following is an entry in ClinVar:

ClinVar aggregate classification (germline): Uncertain significance. Review status: criteria provided, multiple submitters, no conflicts (2 of 4 stars). 2 submissions from 2 submitters: Uncertain significance (2). Last evaluated 2022-07-30.

Allele frequency attached by ClinVar (database versions not stated): gnomAD exomes below 0.00001 and 0.00001; TOPMed below 0.00001; gnomAD 0.00001.
gnomAD v4.1: 8 of 1,592,050 alleles (0.0005%); highest among the groups gnomAD compares: Non-Finnish European, 0.00069%; no homozygotes.

Submissions (2):

Labcorp Genetics (formerly Invitae), Labcorp
Classification: Uncertain significance. Last evaluated: 2022-07-30. Review status: criteria provided, single submitter. Criteria: Invitae Variant Classification Sherloc (09022015). Collection method: clinical testing. Allele origin: germline.
Comment: This sequence change replaces tryptophan, which is neutral and slightly polar, with arginine, which is basic and polar, at codon 453 of the LIFR protein (p.Trp453Arg). This variant is present in population databases (rs201516825, gnomAD 0.0009%). This variant has not been reported in the literature in individuals affected with LIFR-related conditions. ClinVar contains an entry for this variant (Variation ID: 282262). Algorithms developed to predict the effect of missense changes on protein structure and function (SIFT, PolyPhen-2, Align-GVGD) all suggest that this variant is likely to be disruptive. In summary, the available evidence is currently insufficient to determine the role of this variant in disease. Therefore, it has been classified as a Variant of Uncertain Significance.

Eurofins Ntd Llc (ga)
Classification: Uncertain significance. Last evaluated: 2015-08-14. Review status: criteria provided, single submitter. Criteria: EGL Classification Definitions 2015. Collection method: clinical testing. Allele origin: germline. Observed: 1 variant allele, 1 heterozygote.

NM_001127671.2(LIFR):c.1357T>C (p.Trp453Arg)

Gene: LIFR (LIF receptor subunit alpha; minus strand). Cytogenetic location: 5p13.1.
Variant type: single nucleotide variant.
Coding change: c.1357T>C on transcript NM_001127671.2 (MANE Select); coding-DNA position 1357, T replaced by C.
Protein change: p.Trp453Arg; replaces tryptophan 453 with arginine.
Molecular consequence: missense variant.
Genome position (GRCh38, 1-based): chr5:38,504,056, A>G on the plus strand (T>C on the coding strand, the complement: LIFR is on the minus strand). VCF-style: chr5-38504056-A-G. GRCh37 (hg19) VCF-style: chr5-38504158-A-G.
Other names: c.1357T>C, p.Trp453Arg (NM_001364297.2, NM_001364298.2, NM_002310.6); short protein forms W453R.
Identifiers: ClinVar variation 282262 (VCV000282262.6), dbSNP rs201516825, ClinGen allele CA10604126.